The following is an entry in ClinVar:

NM_001083962.2(TCF4):c.1146+3A>T

Gene: TCF4 (transcription factor 4; minus strand). Cytogenetic location: 18q21.2.
Variant type: single nucleotide variant.
Coding change: c.1146+3A>T on transcript NM_001083962.2 (MANE Select); 3 bases into the intron after coding-DNA position 1146, A replaced by T.
Molecular consequence: intron variant.
Genome position (GRCh38, 1-based): chr18:55,257,312, T>A on the plus strand (A>T on the coding strand, the complement: TCF4 is on the minus strand). VCF-style: chr18-55257312-T-A. GRCh37 (hg19) VCF-style: chr18-52924543-T-A.
Other names: c.1452+3A>T (NM_001243226.3); c.1071+3A>T (NM_001369584.1, NM_001369576.1, NM_001369577.1 and 6 more transcripts); c.1074+3A>T (NM_001369582.1, NM_001243227.2, NM_001369583.1 and 5 more transcripts); c.1077+3A>T (NM_001369586.1); c.1146+3A>T (NM_001369571.1, NM_001369567.1, NM_001369572.1 and 2 more transcripts); c.1164+3A>T (NM_001243228.2); c.1137+3A>T (NM_001243230.2); c.1143+3A>T (NM_001369569.1, NM_001369573.1, NM_001369570.1 and 2 more transcripts); and 6 more.
Identifiers: ClinVar variation 3775790 (VCV003775790.1).

ClinVar aggregate classification (germline): Uncertain significance (1 of 4 stars; one submission).

Conditions:
Pitt-Hopkins syndrome (PTHS). Also called: MENTAL RETARDATION, SYNDROMAL, WITH INTERMITTENT HYPERVENTILATION; ENCEPHALOPATHY, SEVERE EPILEPTIC, WITH AUTONOMIC DYSFUNCTION. Identifiers: Orphanet 2896, MedGen C1970431, MONDO:0012589, OMIM 610954.

Submission:

3billion
Classification: Uncertain significance for Pitt-Hopkins syndrome. Last evaluated: 2024-01-26. Review status: criteria provided, single submitter. Criteria: ACMG Guidelines, 2015. Collection method: clinical testing. Allele origin: germline. Affected: yes.
Comment: The variant is not observed in the gnomAD v2.1.1 dataset. Predicted Consequence/Location: Intron variant In silico tools predict the variant to alter splicing and produce an abnormal transcript [SpliceAI: 0.77 (>=0.2, moderate evidence for spliceogenicity)]. Therefore, this variant is classified as VUS according to the recommendation of ACMG/AMP guideline.